The following is an entry in ClinVar:

NM_001267550.2(TTN):c.97613G>A (p.Arg32538His)

Genes: TTN (titin; minus strand), TTN-AS1 (TTN antisense RNA 1; plus strand). Cytogenetic location: 2q31.2.
Variant type: single nucleotide variant.
Coding change: c.97613G>A on transcript NM_001267550.2 (MANE Select); coding-DNA position 97613, G replaced by A.
Protein change: p.Arg32538His; replaces arginine 32538 with histidine.
Molecular consequence: missense variant.
Genome position (GRCh38, 1-based): chr2:178,541,464, C>T on the plus strand (G>A on the coding strand, the complement: TTN is on the minus strand). VCF-style: chr2-178541464-C-T. GRCh37 (hg19) VCF-style: chr2-179406191-C-T.
Other names: p.R30897H:CGC>CAC; c.92690G>A, p.Arg30897His (NM_001256850.1); c.70418G>A, p.Arg23473His (NM_003319.4); c.89909G>A, p.Arg29970His (NM_133378.4); c.70793G>A, p.Arg23598His (NM_133432.3); c.70994G>A, p.Arg23665His (NM_133437.4); short protein forms R32538H, R29970H, R30897H, R23665H, R23473H, R23598H.
Identifiers: ClinVar variation 47586 (VCV000047586.35), dbSNP rs3731749, ClinGen allele CA284152.

ClinVar aggregate classification (germline): Benign/Likely benign. Review status: criteria provided, multiple submitters, no conflicts (2 of 4 stars). 22 submissions from 15 submitters: Benign (20); Likely benign (2). Last evaluated 2026-02-04.

Conditions:
Cardiovascular phenotype. Identifiers: MedGen CN230736.
Dilated cardiomyopathy 1G (CMD1G). Identifiers: Orphanet 154, MedGen C1858763, MONDO:0011400, OMIM 604145.
Autosomal recessive limb-girdle muscular dystrophy type 2J (LGMDR10). Also called: MUSCULAR DYSTROPHY, LIMB-GIRDLE, AUTOSOMAL RECESSIVE 10; Limb-girdle muscular dystrophy, type 2J. Identifiers: Orphanet 140922, MedGen C1837342, MONDO:0012127, OMIM 608807.
Early-onset myopathy with fatal cardiomyopathy (CMYO5). Also called: CONGENITAL MYOPATHY 5 WITH CARDIOMYOPATHY; Salih Myopathy. Identifiers: Orphanet 289377, MedGen C2673677, MONDO:0012714, OMIM 611705. Disease mechanism: loss of function.
Myopathy, myofibrillar, 9, with early respiratory failure (MFM9). Also called: Myopathy, distal, with early respiratory failure, autosomal dominant; Hereditary myopathy with early respiratory failure; MYOPATHY, PROXIMAL, WITH EARLY RESPIRATORY MUSCLE INVOLVEMENT; EDSTROM MYOPATHY. Identifiers: Orphanet 178464, Orphanet 34521, MedGen C1863599, MONDO:0011362, OMIM 603689.
Tibial muscular dystrophy (TMD). Also called: Udd Distal Myopathy – Tibial Muscular Dystrophy; Tibial muscular dystrophy, tardive; UDD MYOPATHY. Identifiers: Orphanet 609, MedGen C1838244, MONDO:0010870, OMIM 600334.

Allele frequency attached by ClinVar (database versions not stated): 1000 Genomes Project 0.20927; 1000 Genomes Project 30x 0.20191; gnomAD 0.14445; gnomAD exomes 0.17537 and 0.15339; ExAC 0.17782; ESP Exome Variant Server 0.12206; TOPMed 0.13707.
gnomAD v4.1: 246,127 of 1,612,826 alleles (15%); highest among the groups gnomAD compares: East Asian, 43%; 21,855 homozygotes.

Submissions (22):

Labcorp Genetics (formerly Invitae), Labcorp
Classification: Benign for Dilated cardiomyopathy 1G; Autosomal recessive limb-girdle muscular dystrophy type 2J. Last evaluated: 2026-02-04. Review status: criteria provided, single submitter. Criteria: Invitae Variant Classification Sherloc (09022015). Collection method: clinical testing. Allele origin: germline.

Molecular Diagnostic Laboratory for Inherited Cardiovascular Disease, Montreal Heart Institute
Classification: Benign. Last evaluated: 2025-04-09. Review status: criteria provided, single submitter. Criteria: ACMG Guidelines, 2015. Collection method: clinical testing. Allele origin: germline. Affected: no.

Genome-Nilou Lab
Classification: Benign for Autosomal recessive limb-girdle muscular dystrophy type 2J. Last evaluated: 2021-09-10. Review status: criteria provided, single submitter. Criteria: ACMG Guidelines, 2015. Collection method: clinical testing. Allele origin: germline. Affected: no.

Genome-Nilou Lab
Classification: Benign for Myopathy, myofibrillar, 9, with early respiratory failure. Last evaluated: 2021-09-10. Review status: criteria provided, single submitter. Criteria: ACMG Guidelines, 2015. Collection method: clinical testing. Allele origin: germline. Affected: no.

Genome-Nilou Lab
Classification: Benign for Early-onset myopathy with fatal cardiomyopathy. Last evaluated: 2021-09-10. Review status: criteria provided, single submitter. Criteria: ACMG Guidelines, 2015. Collection method: clinical testing. Allele origin: germline. Affected: no.

Genome-Nilou Lab
Classification: Benign for Tibial muscular dystrophy. Last evaluated: 2021-09-10. Review status: criteria provided, single submitter. Criteria: ACMG Guidelines, 2015. Collection method: clinical testing. Allele origin: germline. Affected: no.

Women's Health and Genetics/Laboratory Corporation of America, LabCorp
Classification: Likely benign. Last evaluated: 2020-08-18. Review status: criteria provided, single submitter. Criteria: LabCorp Variant Classification Summary - May 2015. Collection method: clinical testing. Allele origin: germline.

Athena Diagnostics
Classification: Benign. Last evaluated: 2018-09-24. Review status: criteria provided, single submitter. Criteria: Athena Diagnostics Criteria. Collection method: clinical testing. Allele origin: germline.

Illumina Laboratory Services, Illumina
Classification: Benign for Dilated cardiomyopathy 1G. Last evaluated: 2018-01-12. Review status: criteria provided, single submitter. Criteria: ICSL Variant Classification Criteria 13 December 2019. Collection method: clinical testing. Allele origin: germline.
Comment: This variant was observed in the ICSL laboratory as part of a predisposition screen in an ostensibly healthy population. It had not been previously curated by ICSL or reported in the Human Gene Mutation Database (HGMD: prior to June 1st, 2018), and was therefore a candidate for classification through an automated scoring system. Utilizing variant allele frequency, disease prevalence and penetrance estimates, and inheritance mode, an automated score was calculated to assess if this variant is too frequent to cause the disease. Based on the score and internal cut-off values, a variant classified as benign is not then subjected to further curation. The score for this variant resulted in a classification of benign for this disease.

Illumina Laboratory Services, Illumina
Classification: Benign for Myopathy, myofibrillar, 9, with early respiratory failure. Last evaluated: 2018-01-12. Review status: criteria provided, single submitter. Criteria: ICSL Variant Classification Criteria 13 December 2019. Collection method: clinical testing. Allele origin: germline.
Comment: the same text as in the submission from Illumina Laboratory Services, Illumina above.

Illumina Laboratory Services, Illumina
Classification: Benign for Autosomal recessive limb-girdle muscular dystrophy type 2J. Last evaluated: 2018-01-12. Review status: criteria provided, single submitter. Criteria: ICSL Variant Classification Criteria 13 December 2019. Collection method: clinical testing. Allele origin: germline.
Comment: the same text as in the submission from Illumina Laboratory Services, Illumina above.

Illumina Laboratory Services, Illumina
Classification: Benign for Tibial muscular dystrophy. Last evaluated: 2018-01-12. Review status: criteria provided, single submitter. Criteria: ICSL Variant Classification Criteria 13 December 2019. Collection method: clinical testing. Allele origin: germline.
Comment: the same text as in the submission from Illumina Laboratory Services, Illumina above.

Illumina Laboratory Services, Illumina
Classification: Benign for Early-onset myopathy with fatal cardiomyopathy. Last evaluated: 2018-01-12. Review status: criteria provided, single submitter. Criteria: ICSL Variant Classification Criteria 13 December 2019. Collection method: clinical testing. Allele origin: germline.
Comment: the same text as in the submission from Illumina Laboratory Services, Illumina above.

Mayo Clinic Laboratories, Mayo Clinic
Classification: Benign. Last evaluated: 2017-08-25. Review status: criteria provided, single submitter. Criteria: ACMG Guidelines, 2015. Collection method: clinical testing. Allele origin: germline. Observed: 625 variant alleles.

Eurofins Ntd Llc (ga)
Classification: Benign. Last evaluated: 2014-01-02. Review status: criteria provided, single submitter. Criteria: EGL Classification Definitions 2015. Collection method: clinical testing. Allele origin: germline. Observed: 2 variant alleles, 2 heterozygotes.

Genetic Services Laboratory, University of Chicago
Classification: Benign for AllHighlyPenetrant. Last evaluated: 2013-08-15. Review status: criteria provided, single submitter. Criteria: ACMG Guidelines, 2007. Collection method: clinical testing. Allele origin: germline.

Biesecker Lab/Clinical Genomics Section, National Institutes of Health
Classification: Benign. Last evaluated: 2013-06-24. Review status: criteria provided, single submitter. Criteria: Ng et al. (Circ Cardiovasc Genet. 2013). Collection method: research. Allele origin: unknown. Observed: 155 variant alleles. Study: ClinSeq.
Comment: The study set was not selected for affection status in relation to any cancer. Pathogenicity categories were based on literature curation. See Pubmed ID:23861362 for details.

Medical sequencing

Ambry Genetics
Classification: Benign for Cardiovascular phenotype. Last evaluated: 2013-01-16. Review status: criteria provided, single submitter. Criteria: Ambry Autosomal Dominant and X-Linked criteria (10/2015). Collection method: clinical testing. Allele origin: germline. Observed: 1 variant allele.

GeneDx
Classification: Benign. Last evaluated: 2012-10-31. Review status: criteria provided, single submitter. Criteria: GeneDx Variant Classification (06012015). Collection method: clinical testing. Allele origin: germline. Affected: yes.
Comment: This variant is considered likely benign or benign based on one or more of the following criteria: it is a conservative change, it occurs at a poorly conserved position in the protein, it is predicted to be benign by multiple in silico algorithms, and/or has population frequency not consistent with disease.

Laboratory for Molecular Medicine, Mass General Brigham Personalized Medicine
Classification: Benign. Last evaluated: 2012-04-11. Review status: criteria provided, single submitter. Criteria: LMM Criteria. Collection method: clinical testing. Allele origin: germline. Observed: 481 variant alleles.

Breakthrough Genomics
Classification: Likely benign. Review status: criteria provided, single submitter. Criteria: ACMG Guidelines, 2015. Collection method: not provided. Allele origin: germline. Inheritance: Autosomal recessive inheritance. Affected: yes.

PreventionGenetics, part of Exact Sciences
Classification: Benign. Review status: criteria provided, single submitter. Criteria: ACMG Guidelines, 2015. Collection method: clinical testing. Allele origin: germline.